The following is an entry in ClinVar:

ClinVar aggregate classification (germline): Benign. Review status: criteria provided, multiple submitters, no conflicts (2 of 4 stars). 7 submissions from 7 submitters: Benign (7). Last evaluated 2026-04-08.

Conditions:
Pancreatic adenocarcinoma. Identifiers: MedGen C0281361, MONDO:0006047, HP:0006725.
PALLD-related disorder. Also called: PALLD-related condition.
Pancreatic cancer, susceptibility to, 1. Identifiers: Orphanet 1333, MedGen C1847351, MONDO:0011739, OMIM 606856.

Allele frequency attached by ClinVar (database versions not stated): ESP Exome Variant Server 0.21590; 1000 Genomes Project 0.18490; ExAC 0.19430; gnomAD 0.21059 and 0.20786; gnomAD exomes 0.19913 and 0.18974; 1000 Genomes Project 30x 0.18426; TOPMed 0.20806.
gnomAD v4.1: 322,367 of 1,612,184 alleles (20%); highest among the groups gnomAD compares: African/African-American, 23%; 32,765 homozygotes.

Submissions (7):

PreventionGenetics, part of Exact Sciences
Classification: Benign for PALLD-related condition. Last evaluated: 2026-04-08. Review status: criteria provided, single submitter. Criteria: ACMG Guidelines, 2015. Collection method: clinical testing. Allele origin: germline.
Comment: This variant is classified as benign based on ACMG/AMP sequence variant interpretation guidelines (Richards et al. 2015 PMID: 25741868, with internal and published modifications).

KCCC/NGS Laboratory, Kuwait Cancer Control Center
Classification: Benign for Pancreatic cancer, susceptibility to, 1. Last evaluated: 2023-07-07. Review status: criteria provided, single submitter. Criteria: ACMG Guidelines, 2015. Collection method: clinical testing. Allele origin: germline. Affected: yes.

Labcorp Genetics (formerly Invitae), Labcorp
Classification: Benign for Pancreatic adenocarcinoma. Last evaluated: 2022-11-22. Review status: criteria provided, single submitter. Criteria: Invitae Variant Classification Sherloc (09022015). Collection method: clinical testing. Allele origin: germline.

Ambry Genetics
Classification: Benign. Last evaluated: 2020-07-30. Review status: criteria provided, single submitter. Criteria: Ambry Variant Classification Scheme 2023. Collection method: clinical testing. Allele origin: germline.

Illumina Laboratory Services, Illumina
Classification: Benign for Pancreatic cancer, susceptibility to, 1. Last evaluated: 2018-01-13. Review status: criteria provided, single submitter. Criteria: ICSL Variant Classification Criteria 13 December 2019. Collection method: clinical testing. Allele origin: germline.
Comment: This variant was observed in the ICSL laboratory as part of a predisposition screen in an ostensibly healthy population. It had not been previously curated by ICSL or reported in the Human Gene Mutation Database (HGMD: prior to June 1st, 2018), and was therefore a candidate for classification through an automated scoring system. Utilizing variant allele frequency, disease prevalence and penetrance estimates, and inheritance mode, an automated score was calculated to assess if this variant is too frequent to cause the disease. Based on the score and internal cut-off values, a variant classified as benign is not then subjected to further curation. The score for this variant resulted in a classification of benign for this disease.

GeneDx
Classification: Benign. Last evaluated: 2015-03-03. Review status: criteria provided, single submitter. Criteria: GeneDx Variant Classification Process June 2021. Collection method: clinical testing. Allele origin: germline. Affected: yes.

Breakthrough Genomics
Classification: Benign. Review status: criteria provided, single submitter. Criteria: ACMG Guidelines, 2015. Collection method: not provided. Allele origin: germline. Inheritance: Autosomal dominant inheritance. Affected: yes.

NM_001166108.2(PALLD):c.18C>T (p.Ser6=)

Gene: PALLD (palladin, cytoskeletal associated protein; plus strand). Cytogenetic location: 4q32.3.
Variant type: single nucleotide variant.
Coding change: c.18C>T on transcript NM_001166108.2 (MANE Select); coding-DNA position 18, C replaced by T.
Protein change: p.Ser6=; no amino-acid change (serine 6 retained).
Molecular consequence: synonymous variant.
Genome position (GRCh38, 1-based): chr4:168,511,522, C>T. VCF-style: chr4-168511522-C-T. GRCh37 (hg19) VCF-style: chr4-169432673-C-T.
Other names: c.18C>T, p.Ser6= (NM_016081.4).
Identifiers: ClinVar variation 348025 (VCV000348025.19), dbSNP rs61051061, ClinGen allele CA3135283.